The following is an entry in ClinVar:

ClinVar aggregate classification (germline): not provided (0 of 4 stars; one submission).

Submission:

GeneDx
No classification provided. Review status: no classification provided. Criteria: GeneDx Variant Classification (06012015). Collection method: clinical testing. Allele origin: germline. Affected: yes.
Comment: The c.1292dupA variant in DSP replaces the normal Tyrosine 431 codon with a premature stop codon. Although this change has not been reported previously as a pathogenic variant, it is expected to result in an abnormal, truncated protein or in absence of protein from this allele due to mRNA decay.

NM_004415.4(DSP):c.1292dup (p.Tyr431Ter)

Gene: DSP (desmoplakin; plus strand). Cytogenetic location: 6p24.3.
Variant type: Duplication.
Coding change: c.1292dup on transcript NM_004415.4 (MANE Select); coding-DNA position 1292, one base duplicated (A; older notation c.1292dupA).
Protein change: p.Tyr431Ter; replaces tyrosine 431 with a stop codon.
Molecular consequence: nonsense.
Genome position (GRCh38, 1-based): chr6:7,568,462, A duplicated. VCF-style (leftmost placement, unchanged base first): chr6-7568461-T-TA. GRCh37 (hg19) VCF-style: chr6-7568694-T-TA.
Other names: p.Tyr431X; c.1292dup (LRG_423t1); c.1292dup, p.Tyr431Ter (NM_001008844.3, NM_001319034.2); short protein forms Y431*.
Identifiers: ClinVar variation 188458 (VCV000188458.2), dbSNP rs786204293, ClinGen allele CA273827.